The following is an entry in ClinVar:

NM_175875.5(SIX5):c.1790A>T (p.Glu597Val)

Gene: SIX5 (SIX homeobox 5; minus strand). Cytogenetic location: 19q13.32.
Variant type: single nucleotide variant.
Coding change: c.1790A>T on transcript NM_175875.5 (MANE Select); coding-DNA position 1790, A replaced by T.
Protein change: p.Glu597Val; replaces glutamic acid 597 with valine.
Molecular consequence: missense variant.
Genome position (GRCh38, 1-based): chr19:45,765,931, T>A on the plus strand (A>T on the coding strand, the complement: SIX5 is on the minus strand). VCF-style: chr19-45765931-T-A. GRCh37 (hg19) VCF-style: chr19-46269189-T-A.
Other names: short protein forms E597V.
Identifiers: ClinVar variation 4584182 (VCV004584182.2).

ClinVar aggregate classification (germline): Uncertain significance. Review status: criteria provided, multiple submitters, no conflicts (2 of 4 stars). 2 submissions from 2 submitters: Uncertain significance (2). Last evaluated 2025-11-24.

gnomAD v4.1: 3 of 1,591,674 alleles (0.00019%); highest among the groups gnomAD compares: African/African-American, 0.0013%; no homozygotes.

Submissions (2):

Ambry Genetics
Classification: Uncertain significance. Last evaluated: 2025-11-24. Review status: criteria provided, single submitter. Criteria: Ambry Variant Classification Scheme 2023. Collection method: clinical testing. Allele origin: germline.

Labcorp Genetics (formerly Invitae), Labcorp
Classification: Uncertain significance. Last evaluated: 2025-02-20. Review status: criteria provided, single submitter. Criteria: Invitae Variant Classification Sherloc (09022015). Collection method: clinical testing. Allele origin: germline.
Comment: This sequence change replaces glutamic acid, which is acidic and polar, with valine, which is neutral and non-polar, at codon 597 of the SIX5 protein (p.Glu597Val). This variant is present in population databases (no rsID available, gnomAD 0.0009%). This variant has not been reported in the literature in individuals affected with SIX5-related conditions. Invitae Evidence Modeling of protein sequence and biophysical properties (such as structural, functional, and spatial information, amino acid conservation, physicochemical variation, residue mobility, and thermodynamic stability) indicates that this missense variant is not expected to disrupt SIX5 protein function with a negative predictive value of 80%. In summary, the available evidence is currently insufficient to determine the role of this variant in disease. Therefore, it has been classified as a Variant of Uncertain Significance.